The following is an entry in ClinVar:

NM_000213.5(ITGB4):c.209del (p.Ala70fs)

Gene: ITGB4 (integrin subunit beta 4; plus strand). Cytogenetic location: 17q25.1.
Variant type: Deletion.
Coding change: c.209del on transcript NM_000213.5 (MANE Select); coding-DNA position 209, one base deleted (C; older notation c.209delC).
Protein change: p.Ala70fs; shifts the reading frame from alanine 70.
Molecular consequence: frameshift variant.
Genome position (GRCh38, 1-based): chr17:75,727,450, C deleted. VCF-style (leftmost placement, unchanged base first): chr17-75727449-GC-G. GRCh37 (hg19) VCF-style: chr17-73723530-GC-G.
Other names: c.209delC, p.Ala70Glyfs (NM_001005619.2); c.209del, p.Ala70fs (NM_001005731.3, NM_001321123.2); short protein forms A70fs.
Identifiers: ClinVar variation 2696609 (VCV002696609.3), dbSNP rs2545720528, ClinGen allele CA2697555131.

ClinVar aggregate classification (germline): Pathogenic (1 of 4 stars; one submission).

Submission:

Labcorp Genetics (formerly Invitae), Labcorp
Classification: Pathogenic. Last evaluated: 2023-11-24. Review status: criteria provided, single submitter. Criteria: Invitae Variant Classification Sherloc (09022015). Collection method: clinical testing. Allele origin: germline.
Comment: This sequence change creates a premature translational stop signal (p.Ala70Glyfs*91) in the ITGB4 gene. It is expected to result in an absent or disrupted protein product. Loss-of-function variants in ITGB4 are known to be pathogenic (PMID: 11328943, 16473856). This variant is not present in population databases (gnomAD no frequency). This variant has not been reported in the literature in individuals affected with ITGB4-related conditions. For these reasons, this variant has been classified as Pathogenic.

Literature cited by the submitters: PubMed 11328943; PubMed 16473856.